The following is an entry in ClinVar:

ClinVar aggregate classification (germline): Pathogenic (1 of 4 stars; one submission).

Conditions:
Epidermolysis bullosa simplex 1D, generalized, intermediate or severe, autosomal recessive. Identifiers: Orphanet 89838, MedGen C3715082, MONDO:0010976, OMIM 601001.

Submission:

3billion
Classification: Pathogenic for Epidermolysis bullosa simplex 1D, generalized, intermediate or severe, autosomal recessive. Last evaluated: 2025-09-04. Review status: criteria provided, single submitter. Criteria: ACMG Guidelines, 2015. Collection method: clinical testing. Allele origin: germline. Affected: yes.
Comment: The variant is not observed in the gnomAD v4.1.0 dataset. Predicted Consequence/Location: Frameshift: predicted to result in a loss or disruption of normal protein function through nonsense-mediated decay (NMD) or protein truncation. Multiple pathogenic variants are reported downstream of the variant. Therefore, this variant is classified as Pathogenic according to the recommendation of ACMG/AMP guideline.

NM_000526.5(KRT14):c.962_970delinsCCAACACCGCTCT (p.Ser321fs)

Gene: KRT14 (keratin 14; minus strand). Cytogenetic location: 17q21.2.
Variant type: Indel.
Coding change: c.962_970delinsCCAACACCGCTCT on transcript NM_000526.5 (MANE Select); coding-DNA positions 962 to 970, GCGAGCTGG replaced by CCAACACCGCTCT.
Protein change: p.Ser321fs; shifts the reading frame from serine 321.
Molecular consequence: frameshift variant.
Genome position (GRCh38, 1-based): chr17:41,583,634-41,583,642, CCAGCTCGC replaced by AGAGCGGTGTTGG on the plus strand (GCGAGCTGG replaced by CCAACACCGCTCT on the coding strand, the reverse complement: KRT14 is on the minus strand). VCF-style: chr17-41583634-CCAGCTCGC-AGAGCGGTGTTGG. GRCh37 (hg19) VCF-style: chr17-39739886-CCAGCTCGC-AGAGCGGTGTTGG.
Other names: short protein forms S321fs.
Identifiers: ClinVar variation 4854025 (VCV004854025.1).
Genomic context (GRCh38, chr17:41,583,634, plus strand): 5'-CAATCTCCAGGTTCTGCATGGTGCGCCGGAGCTCCGAGATCTCGCTCTTGCCGCTCTGCA[CCAGCTCGC>AGAGCGGTGTTGG]TGTTGGTGGCCACCTCGCGGTTCAGCTCCTCTGTCTGCAAAAAAGAGAATGCCATTCACA-3'